The following is an entry in ClinVar:

ClinVar aggregate classification (germline): Uncertain significance (1 of 4 stars; one submission).

Conditions:
Combined oxidative phosphorylation defect type 27. Also called: Combined oxidative phosphorylation deficiency 27. Identifiers: Orphanet 477774, MedGen C5567608, MONDO:0014728, OMIM 616672.

Allele frequency attached by ClinVar (database versions not stated): TOPMed 0.00003.
gnomAD v4.1: 16 of 1,612,748 alleles (0.00099%); highest among the groups gnomAD compares: Non-Finnish European, 0.0014%; no homozygotes.

Submission:

Labcorp Genetics (formerly Invitae), Labcorp
Classification: Uncertain significance for Combined oxidative phosphorylation defect type 27. Last evaluated: 2022-10-24. Review status: criteria provided, single submitter. Criteria: Invitae Variant Classification Sherloc (09022015). Collection method: clinical testing. Allele origin: germline.
Comment: This sequence change affects codon 472 of the CARS2 mRNA. It is a 'silent' change, meaning that it does not change the encoded amino acid sequence of the CARS2 protein. This variant also falls at the last nucleotide of exon 13, which is part of the consensus splice site for this exon. This variant is not present in population databases (gnomAD no frequency). This variant has not been reported in the literature in individuals affected with CARS2-related conditions. Variants that disrupt the consensus splice site are a relatively common cause of aberrant splicing (PMID: 17576681, 9536098). Algorithms developed to predict the effect of sequence changes on RNA splicing suggest that this variant is not likely to affect RNA splicing. In summary, the available evidence is currently insufficient to determine the role of this variant in disease. Therefore, it has been classified as a Variant of Uncertain Significance.

Literature cited by the submitters: PubMed 17576681; PubMed 9536098.

NM_024537.4(CARS2):c.1416G>A (p.Gln472=)

Gene: CARS2 (cysteinyl-tRNA synthetase 2, mitochondrial; minus strand). Cytogenetic location: 13q34.
Variant type: single nucleotide variant.
Coding change: c.1416G>A on transcript NM_024537.4 (MANE Select); coding-DNA position 1416, G replaced by A.
Protein change: p.Gln472=; no amino-acid change (glutamine 472 retained).
Molecular consequence: synonymous variant. On other transcripts: non-coding transcript variant (2).
Genome position (GRCh38, 1-based): chr13:110,644,385, C>T on the plus strand (G>A on the coding strand, the complement: CARS2 is on the minus strand). VCF-style: chr13-110644385-C-T. GRCh37 (hg19) VCF-style: chr13-111296732-C-T.
Other names: c.630G>A, p.Gln210= (NM_001352252.2).
Identifiers: ClinVar variation 2065033 (VCV002065033.1), dbSNP rs200086880, ClinGen allele CA256323785.
Genomic context (GRCh38, chr13:110,644,385, plus strand): 5'-GGTTATTGTCCCAACATGGAGAAAATTCCAGAATTAAGCATTTAAAATAATAGGACCTAC[C>T]TGTTGATTTGCCAGAGAAATTCCAACAGTTTCAAAAAACTGTTCAAAGTAAGAGATGATG-3'
Protein context (NP_078813.1, residues 462-482): ETVGISLANQ[Gln472=]YVSGDGSEAT